The following is an entry in ClinVar:

NM_000238.4(KCNH2):c.3100_3107delinsGGC (p.Pro1034fs)

Gene: KCNH2 (potassium voltage-gated channel subfamily H member 2; minus strand). Cytogenetic location: 7q36.1.
Variant type: Indel.
Coding change: c.3100_3107delinsGGC on transcript NM_000238.4 (MANE Select); coding-DNA positions 3100 to 3107, CCCCGGGG replaced by GGC.
Protein change: p.Pro1034fs; shifts the reading frame from proline 1034.
Molecular consequence: frameshift variant.
Genome position (GRCh38, 1-based): chr7:150,947,373-150,947,380, CCCCGGGG replaced by GCC on the plus strand (CCCCGGGG replaced by GGC on the coding strand, the reverse complement: KCNH2 is on the minus strand). VCF-style: chr7-150947373-CCCCGGGG-GCC. GRCh37 (hg19) VCF-style: chr7-150644461-CCCCGGGG-GCC.
Other names: c.2080_2087delinsGGC, p.Pro694fs (NM_172057.3); c.3100_3107delCCCCGGGGinsGGC (NM_000238.3); short protein forms P694fs, P1034fs.
Identifiers: ClinVar variation 928528 (VCV000928528.5), dbSNP rs1800937691, ClinGen allele CA1139660330.

ClinVar aggregate classification (germline): Pathogenic/Likely pathogenic. Review status: criteria provided, multiple submitters, no conflicts (2 of 4 stars). 2 submissions from 2 submitters: Pathogenic (1); Likely pathogenic (1). Last evaluated 2023-06-05.

Conditions:
Cardiac arrhythmia. Also called: Cardiac rhythm disease; Arrhythmia. Identifiers: MedGen C0003811, MONDO:0007263, HP:0011675.
Cardiovascular phenotype. Identifiers: MedGen CN230736.

Submissions (2):

Ambry Genetics
Classification: Pathogenic for Cardiovascular phenotype. Last evaluated: 2023-06-05. Review status: criteria provided, single submitter. Criteria: Ambry Variant Classification Scheme 2023. Collection method: clinical testing. Allele origin: germline.
Comment: The c.3100_3107delCCCCGGGGinsGGC pathogenic mutation, located in coding exon 13 of the KCNH2 gene, results from the deletion of 8 nucleotides and insertion of 3 nucleotides causing a translational frameshift with a predicted alternate stop codon (p.P1034Gfs*83). This variant has been detected in a long QT syndrome genetic testing cohort (Kapplinger JD et al. Heart Rhythm. 2009 Sep;6(9):1297-303). This alteration occurs at the 3' terminus of theKCNH2 gene, is not expected to trigger nonsense-mediated mRNA decay, and impacts the last 126 amino acids (10.9%) of the protein. However, premature stop codons are typically deleterious in nature, a significant portion of the protein is affected, and the impacted region is critical for protein function (Ambry internal data). This variant is considered to be rare based on population cohorts in the Genome Aggregation Database (gnomAD). Based on the supporting evidence, this alteration is interpreted as a disease-causing mutation.

Women's Health and Genetics/Laboratory Corporation of America, LabCorp
Classification: Likely pathogenic for Arrhythmia. Last evaluated: 2019-09-23. Review status: criteria provided, single submitter. Criteria: LabCorp Variant Classification Summary - May 2015. Collection method: clinical testing. Allele origin: germline.
Comment: Variant summary: KCNH2 c.3100_3107delinsGGC (p.Pro1034GlyfsX83) results in a premature termination codon, predicted to cause a truncation of the encoded protein or absence of the protein due to nonsense mediated decay, which are commonly known mechanisms for disease. The variant was absent in 145010 control chromosomes (gnomAD). c.3100_3107delinsGGC has been reported in the literature in one patient being tested for LQTS (Kapplinger_2009). These data do not allow any conclusion about variant significance. To our knowledge, no experimental evidence demonstrating an impact on protein function has been reported. No clinical diagnostic laboratories have submitted clinical-significance assessments for this variant to ClinVar after 2014. Based on the evidence outlined above, the variant was classified as likely pathogenic.

Literature cited by the submitters: PubMed 19716085 (cited by Ambry Genetics and Women's Health and Genetics/Laboratory Corporation of America, LabCorp).